The following is an entry in ClinVar:

NM_018706.7(DHTKD1):c.1295A>G (p.Gln432Arg)

Gene: DHTKD1 (dehydrogenase E1 and transketolase domain containing 1; plus strand). Cytogenetic location: 10p14.
Variant type: single nucleotide variant.
Coding change: c.1295A>G on transcript NM_018706.7 (MANE Select); coding-DNA position 1295, A replaced by G.
Protein change: p.Gln432Arg; replaces glutamine 432 with arginine.
Molecular consequence: missense variant.
Genome position (GRCh38, 1-based): chr10:12,094,208, A>G. VCF-style: chr10-12094208-A-G. GRCh37 (hg19) VCF-style: chr10-12136207-A-G.
Other names: short protein forms Q432R.
Identifiers: ClinVar variation 3630972 (VCV003630972.2).
Genomic context (GRCh38, chr10:12,094,208, plus strand): 5'-CTTTTGAATACCAACGCCAGTTCCGCAAGGATGTGATTATTGATCTGTTGTGCTACAGGC[A>G]GTGGGGCCACAATGAGCTGGATGAGCCATTCTACACCAACCCCATCATGTACAAAATCAT-3'
Protein context (NP_061176.4, residues 422-442): DVIIDLLCYR[Gln432Arg]WGHNELDEPF

ClinVar aggregate classification (germline): Uncertain significance (1 of 4 stars; one submission).

Conditions:
2-aminoadipic 2-oxoadipic aciduria (AAKAD). Also called: Aminoadipic aciduria; ALPHA-AMINOADIPIC AND ALPHA-KETOADIPIC ACIDURIA. Identifiers: Orphanet 79154, MedGen C1859817, MONDO:0008774, OMIM 204750.

Submission:

Labcorp Genetics (formerly Invitae), Labcorp
Classification: Uncertain significance for 2-aminoadipic 2-oxoadipic aciduria. Last evaluated: 2024-04-17. Review status: criteria provided, single submitter. Criteria: Invitae Variant Classification Sherloc (09022015). Collection method: clinical testing. Allele origin: germline.
Comment: This sequence change replaces glutamine, which is neutral and polar, with arginine, which is basic and polar, at codon 432 of the DHTKD1 protein (p.Gln432Arg). This variant is not present in population databases (gnomAD no frequency). This variant has not been reported in the literature in individuals affected with DHTKD1-related conditions. Advanced modeling of protein sequence and biophysical properties (such as structural, functional, and spatial information, amino acid conservation, physicochemical variation, residue mobility, and thermodynamic stability) performed at Invitae indicates that this missense variant is not expected to disrupt DHTKD1 protein function with a negative predictive value of 80%. In summary, the available evidence is currently insufficient to determine the role of this variant in disease. Therefore, it has been classified as a Variant of Uncertain Significance.